The following is an entry in ClinVar:

ClinVar aggregate classification (germline): Likely pathogenic (1 of 4 stars; one submission).

Submission:

Mayo Clinic Laboratories, Mayo Clinic
Classification: Likely pathogenic. Last evaluated: 2024-12-27. Review status: criteria provided, single submitter. Criteria: ACMG Guidelines, 2015. Collection method: clinical testing. Allele origin: germline. Observed: 1 variant allele.
Comment: PP4, PM2_supporting, PVS1_strong

NM_000642.3(AGL):c.4438_4439del (p.Leu1480fs)

Gene: AGL (amylo-alpha-1,6-glucosidase and 4-alpha-glucanotransferase; plus strand). Cytogenetic location: 1p21.2.
Variant type: Deletion.
Coding change: c.4438_4439del on transcript NM_000642.3 (MANE Select); coding-DNA positions 4438 to 4439, 2 bases deleted (TT; older notation c.4438_4439delTT).
Protein change: p.Leu1480fs; shifts the reading frame from leucine 1480.
Molecular consequence: frameshift variant.
Genome position (GRCh38, 1-based): chr1:99,916,688-99,916,689, TT deleted; deleting any 2 consecutive bases within chr1:99,916,686-99,916,689 gives the same sequence; the c. name uses the placement nearest the transcript's 3' end. VCF-style (leftmost placement, unchanged base first): chr1-99916685-GTT-G. GRCh37 (hg19) VCF-style: chr1-100382241-GTT-G.
Other names: p.Leu1480Glyfs*2; c.4438_4439del, p.Leu1480fs (NM_000643.3, NM_000644.3, NM_001425325.1 and 1 more transcripts); c.4390_4391del, p.Leu1464fs (NM_000646.3); c.4417_4418del, p.Leu1473fs (NM_001425326.1); c.4237_4238del, p.Leu1413fs (NM_001425327.1); c.4234_4235del, p.Leu1412fs (NM_001425328.1); c.4099_4100del, p.Leu1367fs (NM_001425329.1); c.4060_4061del, p.Leu1354fs (NM_001425332.1); short protein forms L1367fs, L1412fs, L1464fs, L1473fs, L1480fs, L1354fs, L1413fs.
Identifiers: ClinVar variation 4541343 (VCV004541343.1).
Genomic context (GRCh38, chr1:99,916,685, plus strand): 5'-CTTCGTGCAAAATTATATTTTTCCAGATTGATGGGCCCGGAGACTACTGCAAAGACTATA[GTT>G]TTGGTTAAAAATGTTCTTTCCCGACATTATGTTCATCTTGAGAGGTAAGTCATCAGGAGC-3'